The following is an entry in ClinVar:

NM_001033855.3(DCLRE1C):c.643C>T (p.Leu215=)

Gene: DCLRE1C (DNA cross-link repair 1C; minus strand). Cytogenetic location: 10p13.
Variant type: single nucleotide variant.
Coding change: c.643C>T on transcript NM_001033855.3 (MANE Select); coding-DNA position 643, C replaced by T.
Protein change: p.Leu215=; no amino-acid change (leucine 215 retained).
Molecular consequence: synonymous variant. On other transcripts: non-coding transcript variant (4).
Genome position (GRCh38, 1-based): chr10:14,934,415, G>A on the plus strand (C>T on the coding strand, the complement: DCLRE1C is on the minus strand). VCF-style: chr10-14934415-G-A. GRCh37 (hg19) VCF-style: chr10-14976414-G-A.
Other names: p.Leu215=; c.283C>T, p.Leu95= (NM_001033857.3, NM_001033858.3, NM_001289077.2 and 2 more transcripts); c.298C>T, p.Leu100= (NM_001289076.2, NM_001289078.2, NM_001350966.2 and 1 more transcripts); c.643C>T, p.Leu215= (NM_001350965.2); c.643C>T (NM_001033855.2).
Identifiers: ClinVar variation 36000 (VCV000036000.30), dbSNP rs7076862, ClinGen allele CA213688.

ClinVar aggregate classification (germline): Benign. Review status: criteria provided, multiple submitters, no conflicts (2 of 4 stars). 12 submissions from 11 submitters: Benign (11). 1 of the submissions does not count toward it. Last evaluated 2026-02-04.

Conditions:
Severe combined immunodeficiency disease. Also called: Severe Combined Immune Deficiency; Severe combined immunodeficiency. Identifiers: Orphanet 183660, MedGen C0085110, MeSH D016511, MONDO:0015974, HP:0004430. Inheritance: X-Linked or Autosomal recessive.
Histiocytic medullary reticulosis. Also called: Omenn syndrome; SEVERE COMBINED IMMUNODEFICIENCY WITH HYPEREOSINOPHILIA. Identifiers: Orphanet 39041, MedGen C2700553, MONDO:0011338, OMIM 603554.
Severe combined immunodeficiency due to DCLRE1C deficiency (RS-SCID). Also called: SCID, AUTOSOMAL RECESSIVE, T CELL-NEGATIVE, B CELL-NEGATIVE, NK CELL-POSITIVE, WITH SENSITIVITY TO IONIZING RADIATION. Identifiers: Orphanet 275, MedGen C1865371, MONDO:0011225, OMIM 602450.

Allele frequency attached by ClinVar (database versions not stated): gnomAD exomes 0.41626; ExAC 0.41867; ESP Exome Variant Server 0.44972; gnomAD 0.42876; TOPMed 0.47227; 1000 Genomes Project 0.50000; 1000 Genomes Project 30x 0.50281.

Submissions (12):

Labcorp Genetics (formerly Invitae), Labcorp
Classification: Benign for Athabaskan severe combined immunodeficiency. Last evaluated: 2026-02-04. Review status: criteria provided, single submitter. Criteria: Invitae Variant Classification Sherloc (09022015). Collection method: clinical testing. Allele origin: germline.

Unidad de Genómica Garrahan, Hospital de Pediatría Garrahan
Classification: Benign. Last evaluated: 2024-01-24. Review status: criteria provided, single submitter. Criteria: ACMG Guidelines, 2015. Collection method: clinical testing. Allele origin: germline. Affected: no. Observed: 57 variant alleles.
Comment: This variant is classified as Benign based on local population frequency. This variant was detected in 65% of patients studied by a panel of primary immunodeficiencies. Number of patients: 57. Only high quality variants are reported.

Genome-Nilou Lab
Classification: Benign for Histiocytic medullary reticulosis. Last evaluated: 2021-07-30. Review status: criteria provided, single submitter. Criteria: ACMG Guidelines, 2015. Collection method: clinical testing. Allele origin: germline. Affected: no.

Genome-Nilou Lab
Classification: Benign for Severe combined immunodeficiency due to DCLRE1C deficiency. Last evaluated: 2021-07-01. Review status: criteria provided, single submitter. Criteria: ACMG Guidelines, 2015. Collection method: clinical testing. Allele origin: germline. Affected: no.

Mayo Clinic Laboratories, Mayo Clinic
Classification: Benign. Last evaluated: 2018-03-21. Review status: criteria provided, single submitter. Criteria: ACMG Guidelines, 2015. Collection method: clinical testing. Allele origin: germline. Observed: 296 variant alleles.

Illumina Laboratory Services, Illumina
Classification: Benign for Histiocytic medullary reticulosis. Last evaluated: 2018-01-12. Review status: criteria provided, single submitter. Criteria: ICSL Variant Classification Criteria 13 December 2019. Collection method: clinical testing. Allele origin: germline.
Comment: This variant was observed in the ICSL laboratory as part of a predisposition screen in an ostensibly healthy population. It had not been previously curated by ICSL or reported in the Human Gene Mutation Database (HGMD: prior to June 1st, 2018), and was therefore a candidate for classification through an automated scoring system. Utilizing variant allele frequency, disease prevalence and penetrance estimates, and inheritance mode, an automated score was calculated to assess if this variant is too frequent to cause the disease. Based on the score and internal cut-off values, a variant classified as benign is not then subjected to further curation. The score for this variant resulted in a classification of benign for this disease.

Laboratory for Molecular Medicine, Mass General Brigham Personalized Medicine
Classification: Benign. Last evaluated: 2016-03-28. Review status: criteria provided, single submitter. Criteria: LMM Criteria. Collection method: clinical testing. Allele origin: germline.
Comment: Variant identified in a genome or exome case(s) and assessed due to predicted null impact of the variant or pathogenic assertions in the literature or databases. Disclaimer: This variant has not undergone full assessment. The following are preliminary notes: Frequency

GeneDx
Classification: Benign. Last evaluated: 2015-03-03. Review status: criteria provided, single submitter. Criteria: GeneDx Variant Classification Process June 2021. Collection method: clinical testing. Allele origin: germline. Affected: yes.

Women's Health and Genetics/Laboratory Corporation of America, LabCorp
Classification: Benign for SCID. Last evaluated: 2011-08-18. Review status: criteria provided, single submitter. Criteria: LabCorp Variant Classification Summary - May 2015. Collection method: curation, clinical testing. Allele origin: germline. Inheritance: autosomal unknown. Affected: yes. Observed: 2 variant alleles.
ClinVar note: Converted during submission from benign to Benign.

Breakthrough Genomics
Classification: Benign. Review status: criteria provided, single submitter. Criteria: ACMG Guidelines, 2015. Collection method: not provided. Allele origin: germline. Inheritance: Autosomal recessive inheritance. Affected: yes.

PreventionGenetics, part of Exact Sciences
Classification: Benign. Review status: criteria provided, single submitter. Criteria: ACMG Guidelines, 2015. Collection method: clinical testing. Allele origin: germline.

Natera, Inc.
Classification: Benign for Omenn syndrome. Last evaluated: 2020-09-16. Review status: no assertion criteria provided. Collection method: clinical testing. Allele origin: germline. Not counted in ClinVar's aggregate classification.